The following is an entry in ClinVar:

NM_015103.3(PLXND1):c.4234T>G (p.Leu1412Val)

Gene: PLXND1 (plexin D1; minus strand). Cytogenetic location: 3q22.1.
Variant type: single nucleotide variant.
Coding change: c.4234T>G on transcript NM_015103.3 (MANE Select); coding-DNA position 4234, T replaced by G.
Protein change: p.Leu1412Val; replaces leucine 1412 with valine.
Molecular consequence: missense variant.
Genome position (GRCh38, 1-based): chr3:129,565,975, A>C on the plus strand (T>G on the coding strand, the complement: PLXND1 is on the minus strand). VCF-style: chr3-129565975-A-C. GRCh37 (hg19) VCF-style: chr3-129284818-A-C.
Other names: short protein forms L1412V.
Identifiers: ClinVar variation 1230209 (VCV001230209.6), dbSNP rs2625973, ClinGen allele CA2608305.

ClinVar aggregate classification (germline): Benign. Review status: criteria provided, multiple submitters, no conflicts (2 of 4 stars). 3 submissions from 3 submitters: Benign (2). 1 of the submissions does not count toward it. Last evaluated 2019-04-19.

Conditions:
PLXND1-related disorder. Also called: PLXND1-related condition.

Allele frequency attached by ClinVar (database versions not stated): 1000 Genomes Project 0.17672; 1000 Genomes Project 30x 0.17864; ExAC 0.22391; TOPMed 0.23482; gnomAD 0.23916 and 0.24335; ESP Exome Variant Server 0.26219.
gnomAD v4.1: 420,949 of 1,613,434 alleles (26%); highest among the groups gnomAD compares: Middle Eastern, 29%; 57,943 homozygotes.

Submissions (3):

GeneDx
Classification: Benign. Last evaluated: 2019-04-19. Review status: criteria provided, single submitter. Criteria: GeneDx Variant Classification Process June 2021. Collection method: clinical testing. Allele origin: germline. Affected: yes.
Comment: This variant is associated with the following publications: (PMID: 30389748)

Breakthrough Genomics
Classification: Benign. Review status: criteria provided, single submitter. Criteria: ACMG Guidelines, 2015. Collection method: not provided. Allele origin: germline. Inheritance: Unknown mechanism. Affected: yes.

PreventionGenetics, part of Exact Sciences
Classification: Benign for PLXND1-related condition. Last evaluated: 2019-06-06. Review status: no assertion criteria provided. Collection method: clinical testing. Allele origin: germline. Not counted in ClinVar's aggregate classification.
Comment: This variant is classified as benign based on ACMG/AMP sequence variant interpretation guidelines (Richards et al. 2015 PMID: 25741868, with internal and published modifications).